The following is an entry in ClinVar:

ClinVar aggregate classification (germline): Uncertain significance (1 of 4 stars; one submission).

Submission:

Ambry Genetics
Classification: Uncertain significance. Last evaluated: 2026-01-09. Review status: criteria provided, single submitter. Criteria: Ambry Variant Classification Scheme 2023. Collection method: clinical testing. Allele origin: germline.
Comment: The c.1274G>A (p.R425H) alteration is located in exon 6 (coding exon 5) of the NLRP2 gene. This alteration results from a G to A substitution at nucleotide position 1274, causing the arginine (R) at amino acid position 425 to be replaced by a histidine (H). Based on data from gnomAD, the A allele has an overall frequency of 0.003% (6/235702) total alleles studied. The highest observed frequency was 0.006% (6/104192) of European (non-Finnish) alleles. Based on insufficient or conflicting evidence, the clinical significance of this alteration remains unclear.

NM_017852.5(NLRP2):c.1274G>A (p.Arg425His)

Gene: NLRP2 (NLR family pyrin domain containing 2; plus strand). Cytogenetic location: 19q13.42.
Variant type: single nucleotide variant.
Coding change: c.1274G>A on transcript NM_017852.5 (MANE Select); coding-DNA position 1274, G replaced by A.
Protein change: p.Arg425His; replaces arginine 425 with histidine.
Molecular consequence: missense variant. On other transcripts: non-coding transcript variant (1).
Genome position (GRCh38, 1-based): chr19:54,982,972, G>A. VCF-style: chr19-54982972-G-A. GRCh37 (hg19) VCF-style: chr19-55494340-G-A.
Other names: c.1274G>A, p.Arg425His (NM_001174081.3); c.1208G>A, p.Arg403His (NM_001174082.3); c.1205G>A, p.Arg402His (NM_001174083.2); c.1265G>A, p.Arg422His (NM_001348003.2); short protein forms R403H, R422H, R425H, R402H.
Identifiers: ClinVar variation 4829912 (VCV004829912.1).